The following is an entry in ClinVar:

NM_001366385.1(CARD14):c.1851+6C>T

Gene: CARD14 (caspase recruitment domain family member 14; plus strand). Cytogenetic location: 17q25.3.
Variant type: single nucleotide variant.
Coding change: c.1851+6C>T on transcript NM_001366385.1 (MANE Select); 6 bases into the intron after coding-DNA position 1851, C replaced by T.
Molecular consequence: intron variant. On other transcripts: synonymous variant (1).
Genome position (GRCh38, 1-based): chr17:80,198,597, C>T. VCF-style: chr17-80198597-C-T. GRCh37 (hg19) VCF-style: chr17-78172396-C-T.
Other names: c.1146C>T, p.Ser382= (NM_052819.3); c.1851+6C>T (NM_024110.4, NM_001257970.1).
Identifiers: ClinVar variation 3763613 (VCV003763613.2).
Genomic context (GRCh38, chr17:80,198,597, plus strand): 5'-CCCGGGCTCGGCGGCGGACCAGATGGCCTTGCGCCCGGGCACCCAGATTGTGATGGTGAG[C>T]CGTGCGAGGCCCCTCCTGTCCCCCGGGCTCCTCATGGGGACAGTGGCAGCGGGTGGGGTG-3'

ClinVar aggregate classification (germline): Uncertain significance (1 of 4 stars; one submission).

Conditions:
Pityriasis rubra pilaris (PRP). Also called: Pityriasis rubra pilaris--familial type. Identifiers: Orphanet 2897, MedGen C0032027, MONDO:0100017, OMIM 173200, MONDO:0008251.
Psoriasis 2. Identifiers: MedGen C1864497, MONDO:0011269, OMIM 602723.

Submission:

Labcorp Genetics (formerly Invitae), Labcorp
Classification: Uncertain significance for Pityriasis rubra pilaris; Psoriasis 2. Last evaluated: 2025-04-07. Review status: criteria provided, single submitter. Criteria: Invitae Variant Classification Sherloc (09022015). Collection method: clinical testing. Allele origin: germline.
Comment: This sequence change falls in intron 13 of the CARD14 gene. It does not directly change the encoded amino acid sequence of the CARD14 protein. It affects a nucleotide within the consensus splice site. This variant is not present in population databases (gnomAD no frequency). This variant has not been reported in the literature in individuals affected with CARD14-related conditions. ClinVar contains an entry for this variant (Variation ID: 3763613). Variants that disrupt the consensus splice site are a relatively common cause of aberrant splicing (PMID: 17576681, 9536098). Algorithms developed to predict the effect of sequence changes on RNA splicing suggest that this variant is not likely to affect RNA splicing. In summary, the available evidence is currently insufficient to determine the role of this variant in disease. Therefore, it has been classified as a Variant of Uncertain Significance.

Literature cited by the submitters: PubMed 17576681; PubMed 9536098.